The following is an entry in ClinVar:

ClinVar aggregate classification (germline): Pathogenic (1 of 4 stars; one submission).

Conditions:
Bartter syndrome. Identifiers: Orphanet 112, MedGen C0004775, MONDO:0015231.

Submission:

Women's Health and Genetics/Laboratory Corporation of America, LabCorp
Classification: Pathogenic for Bartter syndrome. Last evaluated: 2026-06-02. Review status: criteria provided, single submitter. Criteria: LabCorp Variant Classification Summary - May 2015. Collection method: clinical testing. Allele origin: germline.
Comment: Variant summary: SLC12A1 c.2959_2960delAG (p.Ser987LeufsX5) results in a premature termination codon, predicted to cause a truncation of the encoded protein or absence of the protein due to nonsense mediated decay, which are commonly known mechanisms for disease. The variant was absent in 176638 control chromosomes. To our knowledge, no occurrence of c.2959_2960delAG in individuals affected with SLC12A1-related conditions and no experimental evidence demonstrating its impact on protein function have been reported. No submitters have cited clinical-significance assessments for this variant to ClinVar. Based on the evidence outlined above, the variant was classified as pathogenic.

NM_000338.3(SLC12A1):c.2959_2960del (p.Ser987fs)

Gene: SLC12A1 (solute carrier family 12 member 1; plus strand). Cytogenetic location: 15q21.1.
Variant type: Microsatellite.
Coding change: c.2959_2960del on transcript NM_000338.3 (MANE Select); coding-DNA positions 2959 to 2960, 2 bases deleted (AG; older notation c.2959_2960delAG).
Protein change: p.Ser987fs; shifts the reading frame from serine 987.
Molecular consequence: frameshift variant.
Genome position (GRCh38, 1-based): chr15:48,291,863-48,291,864, AG deleted; deleting any 2 consecutive bases within chr15:48,291,859-48,291,864 gives the same sequence; the c. name uses the placement nearest the transcript's 3' end. VCF-style (leftmost placement, unchanged base first): chr15-48291858-AAG-A. GRCh37 (hg19) VCF-style: chr15-48584055-AAG-A.
Other names: c.2959_2960del, p.Ser987fs (NM_001184832.2, NM_001384136.1); c.2959_2960delAG (NM_000338.3); short protein forms S987fs.
Identifiers: ClinVar variation 4887565 (VCV004887565.1).
Genomic context (GRCh38, chr15:48,291,858, plus strand): 5'-AATTTAGGATAAAATTTGCAGACATCCATATCATCGGTGACATCAACATTAGGCCAAACA[AAG>A]AGAGGTATGAAATATTTAACAAGAGACATTGATTACCCATGGTACTCTCTCATTCTCTTT-3'